The following is an entry in ClinVar:

NM_003803.4(MYOM1):c.1096T>G (p.Ser366Ala)

Gene: MYOM1 (myomesin 1; minus strand). Cytogenetic location: 18p11.31.
Variant type: single nucleotide variant.
Coding change: c.1096T>G on transcript NM_003803.4 (MANE Select); coding-DNA position 1096, T replaced by G.
Protein change: p.Ser366Ala; replaces serine 366 with alanine.
Molecular consequence: missense variant.
Genome position (GRCh38, 1-based): chr18:3,174,135, A>C on the plus strand (T>G on the coding strand, the complement: MYOM1 is on the minus strand). VCF-style: chr18-3174135-A-C. GRCh37 (hg19) VCF-style: chr18-3174133-A-C.
Other names: c.1096T>G, p.Ser366Ala (NM_019856.2); short protein forms S366A.
Identifiers: ClinVar variation 4750020 (VCV004750020.1).

ClinVar aggregate classification (germline): Uncertain significance (1 of 4 stars; one submission).

Conditions:
Hypertrophic cardiomyopathy. Also called: HYPERTROPHIC MYOCARDIOPATHY. Identifiers: Orphanet 217569, MedGen C0007194, MeSH D002312, MONDO:0005045, HP:0001639.

gnomAD v4.1: 13 of 1,613,908 alleles (0.00081%); highest among the groups gnomAD compares: East Asian, 0.027%; no homozygotes.

Submission:

Labcorp Genetics (formerly Invitae), Labcorp
Classification: Uncertain significance for Hypertrophic cardiomyopathy. Last evaluated: 2025-12-10. Review status: criteria provided, single submitter. Criteria: Invitae Variant Classification Sherloc (09022015). Collection method: clinical testing. Allele origin: germline.
Comment: This sequence change replaces serine, which is neutral and polar, with alanine, which is neutral and non-polar, at codon 366 of the MYOM1 protein (p.Ser366Ala). This variant is present in population databases (rs759388087, gnomAD 0.05%). This variant has not been reported in the literature in individuals affected with MYOM1-related conditions. Invitae Evidence Modeling of protein sequence and biophysical properties (such as structural, functional, and spatial information, amino acid conservation, physicochemical variation, residue mobility, and thermodynamic stability) indicates that this missense variant is not expected to disrupt MYOM1 protein function with a negative predictive value of 80%. In summary, the available evidence is currently insufficient to determine the role of this variant in disease. Therefore, it has been classified as a Variant of Uncertain Significance.